The following is an entry in ClinVar:

ClinVar aggregate classification (germline): Conflicting classifications of pathogenicity. Review status: criteria provided, conflicting classifications (1 of 4 stars). 2 submissions from 2 submitters: Uncertain significance (1); Likely benign (1). Last evaluated 2023-01-01.

Conditions:
Stuve-Wiedemann syndrome (STWS). Also called: Stüve-Wiedemann syndrome. Identifiers: Orphanet 3206, MedGen C0796176, MONDO:0031280.

Allele frequency attached by ClinVar (database versions not stated): gnomAD exomes 0.00001; TOPMed 0.00003.
gnomAD v4.1: 12 of 1,614,144 alleles (0.00074%); highest among the groups gnomAD compares: East Asian, 0.0022%; no homozygotes.

Submissions (2):

CeGaT Center for Human Genetics Tuebingen
Classification: Likely benign. Last evaluated: 2023-01-01. Review status: criteria provided, single submitter. Criteria: CeGaT Center For Human Genetics Tuebingen Variant Classification Criteria Version 2. Collection method: clinical testing. Allele origin: germline. Affected: yes. Observed: 1 variant allele.
Comment: LIFR: BP4, BP7

Illumina Laboratory Services, Illumina
Classification: Uncertain significance for Stüve-Wiedemann syndrome 1. Last evaluated: 2018-01-12. Review status: criteria provided, single submitter. Criteria: ICSL Variant Classification Criteria 13 December 2019. Collection method: clinical testing. Allele origin: germline.

NM_001127671.2(LIFR):c.2001G>A (p.Ser667=)

Gene: LIFR (LIF receptor subunit alpha; minus strand). Cytogenetic location: 5p13.1.
Variant type: single nucleotide variant.
Coding change: c.2001G>A on transcript NM_001127671.2 (MANE Select); coding-DNA position 2001, G replaced by A.
Protein change: p.Ser667=; no amino-acid change (serine 667 retained).
Molecular consequence: synonymous variant.
Genome position (GRCh38, 1-based): chr5:38,493,670, C>T on the plus strand (G>A on the coding strand, the complement: LIFR is on the minus strand). VCF-style: chr5-38493670-C-T. GRCh37 (hg19) VCF-style: chr5-38493772-C-T.
Other names: c.2001G>A, p.Ser667= (NM_001364297.2, NM_001364298.2, NM_002310.6).
Identifiers: ClinVar variation 907448 (VCV000907448.28), dbSNP rs1195064309, ClinGen allele CA443946285.